The following is an entry in ClinVar:

NM_005004.4(NDUFB8):c.22G>C (p.Val8Leu)

Gene: NDUFB8 (NADH:ubiquinone oxidoreductase subunit B8; minus strand). Cytogenetic location: 10q24.31.
Variant type: single nucleotide variant.
Coding change: c.22G>C on transcript NM_005004.4 (MANE Select); coding-DNA position 22, G replaced by C.
Protein change: p.Val8Leu; replaces valine 8 with leucine.
Molecular consequence: missense variant. On other transcripts: intron variant (1).
Genome position (GRCh38, 1-based): chr10:100,529,830, C>G on the plus strand (G>C on the coding strand, the complement: NDUFB8 is on the minus strand). VCF-style: chr10-100529830-C-G. GRCh37 (hg19) VCF-style: chr10-102289587-C-G.
Other names: c.22G>C, p.Val8Leu (NM_001284367.2); c.-9+28G>C (NM_001284368.1); short protein forms V8L.
Identifiers: ClinVar variation 2079479 (VCV002079479.5), dbSNP rs139827718, ClinGen allele CA5650301.
Genomic context (GRCh38, chr10:100,529,830, plus strand): 5'-TCCGTGCGCCCAGCGGCATCACGTTCCGGGATGCCCTTTGCAGCCACTGGACTCCCAAGA[C>G]CCCGGCCCTGGCCACCGCCATCTTCACCTTCTTCACGTTTCCCTTCTGCACATGCGCAAA-3'
Protein context (NP_004995.1, residues 1-18): MAVARAG[Val8Leu]LGVQWLQRAS

ClinVar aggregate classification (germline): Uncertain significance. Review status: criteria provided, multiple submitters, no conflicts (2 of 4 stars). 2 submissions from 2 submitters: Uncertain significance (2). Last evaluated 2025-08-10.

Conditions:
Inborn genetic diseases. Identifiers: MedGen C0950123, MeSH D030342.

Allele frequency attached by ClinVar (database versions not stated): gnomAD exomes 0.00004; ExAC 0.00013; 1000 Genomes Project 30x 0.00016; 1000 Genomes Project 0.00020; ESP Exome Variant Server 0.00038; gnomAD 0.00043; TOPMed 0.00052.
gnomAD v4.1: 124 of 1,610,432 alleles (0.0077%); highest among the groups gnomAD compares: African/African-American, 0.16%; no homozygotes.

Submissions (2):

Labcorp Genetics (formerly Invitae), Labcorp
Classification: Uncertain significance. Last evaluated: 2025-08-10. Review status: criteria provided, single submitter. Criteria: Invitae Variant Classification Sherloc (09022015). Collection method: clinical testing. Allele origin: germline.
Comment: This sequence change replaces valine, which is neutral and non-polar, with leucine, which is neutral and non-polar, at codon 8 of the NDUFB8 protein (p.Val8Leu). This variant is present in population databases (rs139827718, gnomAD 0.1%), and has an allele count higher than expected for a pathogenic variant. This variant has not been reported in the literature in individuals affected with NDUFB8-related conditions. ClinVar contains an entry for this variant (Variation ID: 2079479). An algorithm developed to predict the effect of missense changes on protein structure and function (PolyPhen-2) suggests that this variant is likely to be tolerated. In summary, the available evidence is currently insufficient to determine the role of this variant in disease. Therefore, it has been classified as a Variant of Uncertain Significance.

Ambry Genetics
Classification: Uncertain significance for Inborn genetic diseases. Last evaluated: 2021-07-14. Review status: criteria provided, single submitter. Criteria: Ambry Variant Classification Scheme 2023. Collection method: clinical testing. Allele origin: germline.